The following is an entry in ClinVar:

ClinVar aggregate classification (germline): Uncertain significance (1 of 4 stars; one submission).

Submission:

CeGaT Center for Human Genetics Tuebingen
Classification: Uncertain significance. Last evaluated: 2026-04-01. Review status: criteria provided, single submitter. Criteria: CeGaT Center For Human Genetics Tuebingen Variant Classification Criteria Version 2. Collection method: clinical testing. Allele origin: germline. Affected: yes. Observed: 1 variant allele.
Comment: SETD1A: PM2

NM_014712.3(SETD1A):c.971C>T (p.Ser324Phe)

Gene: SETD1A (SET domain containing 1A, histone lysine methyltransferase; plus strand). Cytogenetic location: 16p11.2.
Variant type: single nucleotide variant.
Coding change: c.971C>T on transcript NM_014712.3 (MANE Select); coding-DNA position 971, C replaced by T.
Protein change: p.Ser324Phe; replaces serine 324 with phenylalanine.
Molecular consequence: missense variant.
Genome position (GRCh38, 1-based): chr16:30,964,713, C>T. VCF-style: chr16-30964713-C-T. GRCh37 (hg19) VCF-style: chr16-30976034-C-T.
Other names: short protein forms S324F.
Identifiers: ClinVar variation 4874669 (VCV004874669.2).